The following is an entry in ClinVar:

NM_020999.4(NEUROG3):c.44G>A (p.Arg15His)

Gene: NEUROG3 (neurogenin 3; minus strand). Cytogenetic location: 10q22.1.
Variant type: single nucleotide variant.
Coding change: c.44G>A on transcript NM_020999.4 (MANE Select); coding-DNA position 44, G replaced by A.
Protein change: p.Arg15His; replaces arginine 15 with histidine.
Molecular consequence: missense variant.
Genome position (GRCh38, 1-based): chr10:69,573,000, C>T on the plus strand (G>A on the coding strand, the complement: NEUROG3 is on the minus strand). VCF-style: chr10-69573000-C-T. GRCh37 (hg19) VCF-style: chr10-71332756-C-T.
Other names: c.44G>A (NM_020999.3); short protein forms R15H.
Identifiers: ClinVar variation 999532 (VCV000999532.7), dbSNP rs774554213, ClinGen allele CA5533796.
Genomic context (GRCh38, chr10:69,573,000, plus strand): 5'-GCGGACGTGGGGCAGGTCACTTCGTCTTCCGAGGCTCTGGGGAAGGACCGCTCCGTCTCA[C>T]GGGTCACTTGGACAGTGGGCGCACCCGAGGGTTGAGGCGTCATCCTACGGCGGGGTCAGA-3'
Protein context (NP_066279.2, residues 5-25): PSGAPTVQVT[Arg15His]ETERSFPRAS

ClinVar aggregate classification (germline): Conflicting classifications of pathogenicity. Review status: criteria provided, conflicting classifications (1 of 4 stars). 2 submissions from 2 submitters: Uncertain significance (1); Likely benign (1). Last evaluated 2023-05-09.

Conditions:
Inborn genetic diseases. Identifiers: MedGen C0950123, MeSH D030342.

Allele frequency attached by ClinVar (database versions not stated): ExAC 0.00002; gnomAD exomes 0.00002 and 0.00004; TOPMed 0.00002.

Submissions (2):

Ambry Genetics
Classification: Likely benign for Inborn genetic diseases. Last evaluated: 2023-05-09. Review status: criteria provided, single submitter. Criteria: Ambry Variant Classification Scheme 2023. Collection method: clinical testing. Allele origin: germline.

Labcorp Genetics (formerly Invitae), Labcorp
Classification: Uncertain significance. Last evaluated: 2021-08-24. Review status: criteria provided, single submitter. Criteria: Invitae Variant Classification Sherloc (09022015). Collection method: clinical testing. Allele origin: germline.
Comment: This sequence change replaces arginine with histidine at codon 15 of the NEUROG3 protein (p.Arg15His). The arginine residue is weakly conserved and there is a small physicochemical difference between arginine and histidine. This variant is present in population databases (rs774554213, ExAC 0.003%). This variant has not been reported in the literature in individuals affected with NEUROG3-related conditions. Algorithms developed to predict the effect of missense changes on protein structure and function output the following: SIFT: "Tolerated"; PolyPhen-2: "Benign"; Align-GVGD: "Class C0". The histidine amino acid residue is found in multiple mammalian species, which suggests that this missense change does not adversely affect protein function. In summary, the available evidence is currently insufficient to determine the role of this variant in disease. Therefore, it has been classified as a Variant of Uncertain Significance.